The following is an entry in ClinVar:

ClinVar aggregate classification (germline): Benign/Likely benign. Review status: criteria provided, multiple submitters, no conflicts (2 of 4 stars). 9 submissions from 6 submitters: Benign (8); Likely benign (1). Last evaluated 2025-12-15.

Conditions:
Fetal akinesia, respiratory insufficiency, microcephaly, polymicrogyria, and dysmorphic facies. Identifiers: MedGen C5562015, MONDO:0859204, OMIM 619602.
Developmental and epileptic encephalopathy 98. Identifiers: MedGen C5562017, MONDO:0030472, OMIM 619605.
Familial hemiplegic migraine. Identifiers: MedGen C0338484, MONDO:0000700.
Migraine, familial hemiplegic, 2. Identifiers: Orphanet 569, MedGen C1865322, MONDO:0011232, OMIM 602481.
Alternating hemiplegia of childhood 1 (AHC1). Identifiers: Orphanet 2131, MedGen C3549447, MONDO:0007087, OMIM 104290.

Allele frequency attached by ClinVar (database versions not stated): TOPMed 0.00009; 1000 Genomes Project 30x 0.00234; 1000 Genomes Project 0.00260.
gnomAD v4.1: 810 of 1,614,196 alleles (0.05%); highest among the groups gnomAD compares: South Asian, 0.79%; 10 homozygotes.

Submissions (9):

Labcorp Genetics (formerly Invitae), Labcorp
Classification: Benign for Familial hemiplegic migraine. Last evaluated: 2025-12-15. Review status: criteria provided, single submitter. Criteria: Invitae Variant Classification Sherloc (09022015). Collection method: clinical testing. Allele origin: germline.

CeGaT Center for Human Genetics Tuebingen
Classification: Benign. Last evaluated: 2025-11-01. Review status: criteria provided, single submitter. Criteria: CeGaT Center For Human Genetics Tuebingen Variant Classification Criteria Version 2. Collection method: clinical testing. Allele origin: germline. Affected: yes. Observed: 1 variant allele.
Comment: ATP1A2: BP4, BS1, BS2

Blueprint Genetics
Classification: Likely benign. Last evaluated: 2024-11-07. Review status: criteria provided, single submitter. Criteria: ACMG Guidelines, 2015. Collection method: clinical testing. Allele origin: germline.

Genome-Nilou Lab
Classification: Benign for Alternating hemiplegia of childhood 1. Last evaluated: 2021-12-05. Review status: criteria provided, single submitter. Criteria: ACMG Guidelines, 2015. Collection method: clinical testing. Allele origin: germline. Affected: no.

Genome-Nilou Lab
Classification: Benign for Developmental and epileptic encephalopathy 98. Last evaluated: 2021-12-05. Review status: criteria provided, single submitter. Criteria: ACMG Guidelines, 2015. Collection method: clinical testing. Allele origin: germline. Affected: no.

Genome-Nilou Lab
Classification: Benign for Fetal akinesia, respiratory insufficiency, microcephaly, polymicrogyria, and dysmorphic facies. Last evaluated: 2021-12-05. Review status: criteria provided, single submitter. Criteria: ACMG Guidelines, 2015. Collection method: clinical testing. Allele origin: germline. Affected: no.

Genome-Nilou Lab
Classification: Benign for Migraine, familial hemiplegic, 2. Last evaluated: 2021-12-05. Review status: criteria provided, single submitter. Criteria: ACMG Guidelines, 2015. Collection method: clinical testing. Allele origin: germline. Affected: no.

Athena Diagnostics
Classification: Benign. Last evaluated: 2016-11-28. Review status: criteria provided, single submitter. Criteria: Athena Diagnostics Criteria. Collection method: clinical testing. Allele origin: germline.

GeneDx
Classification: Benign. Last evaluated: 2014-03-14. Review status: criteria provided, single submitter. Criteria: GeneDx Variant Classification (06012015). Collection method: clinical testing. Allele origin: germline. Affected: yes.
Comment: This variant is considered likely benign or benign based on one or more of the following criteria: it is a conservative change, it occurs at a poorly conserved position in the protein, it is predicted to be benign by multiple in silico algorithms, and/or has population frequency not consistent with disease.

NM_000702.4(ATP1A2):c.1652-7C>G

Gene: ATP1A2 (ATPase Na+/K+ transporting subunit alpha 2; plus strand). Cytogenetic location: 1q23.2.
Variant type: single nucleotide variant.
Coding change: c.1652-7C>G on transcript NM_000702.4 (MANE Select); 7 bases into the intron before coding-DNA position 1652, C replaced by G.
Molecular consequence: intron variant.
Genome position (GRCh38, 1-based): chr1:160,130,415, C>G. VCF-style: chr1-160130415-C-G. GRCh37 (hg19) VCF-style: chr1-160100205-C-G.
Identifiers: ClinVar variation 136451 (VCV000136451.20), dbSNP rs200102433, ClinGen allele CA289582.